The following is an entry in ClinVar:

ClinVar aggregate classification (germline): Conflicting classifications of pathogenicity. Review status: criteria provided, conflicting classifications (1 of 4 stars). 2 submissions from 2 submitters: Likely pathogenic (1); Uncertain significance (1). Last evaluated 2024-11-26.

Conditions:
Developmental and epileptic encephalopathy 100 (DEE100). Identifiers: MedGen C5676932, MONDO:0030695, OMIM 619777.

Submissions (2):

Broad Center for Mendelian Genomics, Broad Institute of MIT and Harvard
Classification: Uncertain significance for Developmental and epileptic encephalopathy 100. Last evaluated: 2024-11-26. Review status: criteria provided, single submitter. Criteria: ACMG Guidelines, 2015. Collection method: curation. Allele origin: germline. Inheritance: Autosomal dominant inheritance. Study: GREGoR Consortium.
Comment: Trio exome analysis showed this variant to be de novo. The p.Ala66Pro variant in FBXO28 has not been previously reported in the literature in individuals with developmental and epileptic encephalopathy, and was absent from large population studies. Computational prediction tools, including splice predictors, and conservation analyses suggest that this variant may not impact the protein, though this information is not predictive enough to rule out pathogenicity. In summary, the clinical significance of the p.Ala66Pro variant is uncertain. ACMG/AMP Criteria applied: BP4, PM2_supporting, PS2_supporting (Richards 2015).

GeneDx
Classification: Likely pathogenic. Last evaluated: 2024-08-19. Review status: criteria provided, single submitter. Criteria: GeneDx Variant Classification Process June 2021. Collection method: clinical testing. Allele origin: germline. Affected: yes.
Comment: In silico analysis indicates that this missense variant does not alter protein structure/function; Not observed at significant frequency in large population cohorts (gnomAD); This variant is associated with the following publications: (PMID: 33280099)

NM_015176.4(FBXO28):c.196G>C (p.Ala66Pro)

Gene: FBXO28 (F-box protein 28; plus strand). Cytogenetic location: 1q42.11.
Variant type: single nucleotide variant.
Coding change: c.196G>C on transcript NM_015176.4 (MANE Select); coding-DNA position 196, G replaced by C.
Protein change: p.Ala66Pro; replaces alanine 66 with proline.
Molecular consequence: missense variant. On other transcripts: non-coding transcript variant (1).
Genome position (GRCh38, 1-based): chr1:224,114,325, G>C. VCF-style: chr1-224114325-G-C. GRCh37 (hg19) VCF-style: chr1-224302027-G-C.
Other names: NR_049764.2:n.215G>C; c.196G>C, p.Ala66Pro (NM_001136115.3); c.196G>C (NM_015176.3); short protein forms A66P.
Identifiers: ClinVar variation 3383319 (VCV003383319.2).